The following is an entry in ClinVar:

NM_001184.4(ATR):c.3449T>C (p.Met1150Thr)

Gene: ATR (ATR checkpoint kinase; minus strand). Cytogenetic location: 3q23.
Variant type: single nucleotide variant.
Coding change: c.3449T>C on transcript NM_001184.4 (MANE Select); coding-DNA position 3449, T replaced by C.
Protein change: p.Met1150Thr; replaces methionine 1150 with threonine.
Molecular consequence: missense variant.
Genome position (GRCh38, 1-based): chr3:142,542,666, A>G on the plus strand (T>C on the coding strand, the complement: ATR is on the minus strand). VCF-style: chr3-142542666-A-G. GRCh37 (hg19) VCF-style: chr3-142261508-A-G.
Other names: c.3449T>C (NM_001184.3); c.3257T>C, p.Met1086Thr (NM_001354579.2); short protein forms M1150T, M1086T.
Identifiers: ClinVar variation 2170562 (VCV002170562.6), dbSNP rs748892082, ClinGen allele CA2650114.
Genomic context (GRCh38, chr3:142,542,666, plus strand): 5'-GAATTTATCTATATTCTGTATGAATTCTATCTTAGCACTCTGGAACTATCACCACTTACC[A>G]TTTTCTTATCTTCAATGCCAACACTAGAGCTCAGTAACTGCATGTTAAAAAAAGCCAAAA-3'
Protein context (NP_001175.2, residues 1140-1160): SSSVGIEDKK[Met1150Thr]ALNSLMSLMK

ClinVar aggregate classification (germline): Uncertain significance. Review status: criteria provided, multiple submitters, no conflicts (2 of 4 stars). 2 submissions from 2 submitters: Uncertain significance (2). Last evaluated 2024-02-26.

Conditions:
Inborn genetic diseases. Identifiers: MedGen C0950123, MeSH D030342.

Allele frequency attached by ClinVar (database versions not stated): gnomAD 0.00001; gnomAD exomes 0.00001.

Submissions (2):

Labcorp Genetics (formerly Invitae), Labcorp
Classification: Uncertain significance. Last evaluated: 2024-02-26. Review status: criteria provided, single submitter. Criteria: Invitae Variant Classification Sherloc (09022015). Collection method: clinical testing. Allele origin: germline.
Comment: This sequence change replaces methionine, which is neutral and non-polar, with threonine, which is neutral and polar, at codon 1150 of the ATR protein (p.Met1150Thr). This variant is present in population databases (rs748892082, gnomAD 0.003%). This variant has not been reported in the literature in individuals affected with ATR-related conditions. ClinVar contains an entry for this variant (Variation ID: 2170562). An algorithm developed to predict the effect of missense changes on protein structure and function (PolyPhen-2) suggests that this variant is likely to be disruptive. In summary, the available evidence is currently insufficient to determine the role of this variant in disease. Therefore, it has been classified as a Variant of Uncertain Significance.

Ambry Genetics
Classification: Uncertain significance for Inborn genetic diseases. Last evaluated: 2022-11-24. Review status: criteria provided, single submitter. Criteria: Ambry Variant Classification Scheme 2023. Collection method: clinical testing. Allele origin: germline.
Comment: The p.M1150T variant (also known as c.3449T>C), located in coding exon 17 of the ATR gene, results from a T to C substitution at nucleotide position 3449. The methionine at codon 1150 is replaced by threonine, an amino acid with similar properties. This amino acid position is conserved. In addition, the in silico prediction for this alteration is inconclusive. Since supporting evidence is limited at this time, the clinical significance of this alteration remains unclear.